The following is an entry in ClinVar:

ClinVar aggregate classification (germline): Likely benign. Review status: criteria provided, multiple submitters, no conflicts (2 of 4 stars). 2 submissions from 2 submitters: Likely benign (2). Last evaluated 2024-12-10.

Conditions:
Osteogenesis imperfecta type I (OI1). Also called: Lobstein disease; OI, TYPE I; OSTEOGENESIS IMPERFECTA TARDA; OSTEOGENESIS IMPERFECTA WITH BLUE SCLERAE; Classic Non-deforming Osteogenesis Imperfecta with Blue Sclerae; Osteogenesis imperfecta type 1. Identifiers: Orphanet 216796, Orphanet 666, MedGen C0023931, MONDO:0008146, OMIM 166200. Disease mechanism: loss of function.

Allele frequency attached by ClinVar (database versions not stated): ExAC 0.00001; gnomAD 0.00001; gnomAD exomes 0.00001.
gnomAD v4.1: 12 of 1,613,854 alleles (0.00074%); highest among the groups gnomAD compares: Non-Finnish European, 0.001%; no homozygotes.

Submissions (2):

Women's Health and Genetics/Laboratory Corporation of America, LabCorp
Classification: Likely benign. Last evaluated: 2024-12-10. Review status: criteria provided, single submitter. Criteria: LabCorp Variant Classification Summary - May 2015. Collection method: clinical testing. Allele origin: germline.
Comment: Variant summary: COL1A1 c.1764T>C results in a synonymous change. Consensus agreement among computation tools predict no significant impact on normal splicing (TrAP). However, these predictions have yet to be confirmed by functional studies. The variant allele was found at a frequency of 8e-06 in 251352 control chromosomes. The available data on variant occurrences in the general population are insufficient to allow any conclusion about variant significance. To our knowledge, no occurrence of c.1764T>C in individuals affected with Osteogenesis Imperfecta and no experimental evidence demonstrating its impact on protein function have been reported. ClinVar contains an entry for this variant (Variation ID: 1091431). Based on the evidence outlined above, the variant was classified as likely benign.

Labcorp Genetics (formerly Invitae), Labcorp
Classification: Likely benign for Osteogenesis imperfecta type I. Last evaluated: 2024-02-17. Review status: criteria provided, single submitter. Criteria: Invitae Variant Classification Sherloc (09022015). Collection method: clinical testing. Allele origin: germline.

Literature cited by the submitters: PubMed 7691343 (cited by Women's Health and Genetics/Laboratory Corporation of America, LabCorp).

NM_000088.4(COL1A1):c.1764T>C (p.Ala588=)

Gene: COL1A1 (collagen type I alpha 1 chain; minus strand). Cytogenetic location: 17q21.33.
Variant type: single nucleotide variant.
Coding change: c.1764T>C on transcript NM_000088.4 (MANE Select); coding-DNA position 1764, T replaced by C.
Protein change: p.Ala588=; no amino-acid change (alanine 588 retained).
Molecular consequence: synonymous variant.
Genome position (GRCh38, 1-based): chr17:50,193,946, A>G on the plus strand (T>C on the coding strand, the complement: COL1A1 is on the minus strand). VCF-style: chr17-50193946-A-G. GRCh37 (hg19) VCF-style: chr17-48271307-A-G.
Identifiers: ClinVar variation 1091431 (VCV001091431.10), dbSNP rs1800212, ClinGen allele CA8645126.